The following is an entry in ClinVar:

ClinVar aggregate classification (germline): Uncertain significance (1 of 4 stars; one submission).

gnomAD v4.1: 10 of 1,602,100 alleles (0.00062%); highest among the groups gnomAD compares: South Asian, 0.0067%; no homozygotes.

Submission:

GeneDx
Classification: Uncertain significance. Last evaluated: 2023-07-14. Review status: criteria provided, single submitter. Criteria: GeneDx Variant Classification Process June 2021. Collection method: clinical testing. Allele origin: germline. Affected: yes.
Comment: In silico analysis supports that this missense variant has a deleterious effect on protein structure/function; Has not been previously published as pathogenic or benign to our knowledge

NM_003482.4(KMT2D):c.13079C>T (p.Pro4360Leu)

Gene: KMT2D (lysine methyltransferase 2D; minus strand). Cytogenetic location: 12q13.12.
Variant type: single nucleotide variant.
Coding change: c.13079C>T on transcript NM_003482.4 (MANE Select); coding-DNA position 13079, C replaced by T.
Protein change: p.Pro4360Leu; replaces proline 4360 with leucine.
Molecular consequence: missense variant.
Genome position (GRCh38, 1-based): chr12:49,031,626, G>A on the plus strand (C>T on the coding strand, the complement: KMT2D is on the minus strand). VCF-style: chr12-49031626-G-A. GRCh37 (hg19) VCF-style: chr12-49425409-G-A.
Other names: short protein forms P4360L.
Identifiers: ClinVar variation 3360991 (VCV003360991.1).
Genomic context (GRCh38, chr12:49,031,626, plus strand): 5'-GGGGGATCCCAAGGTCCCAGACCCTTGCTAAACAAGGTATCTGCAAGCTGGGCAGCAGCA[G>A]GTGAGACCCTCCCAGGAGGCGGCTCCAAGGTTGGCCCCTGAGGTTTGGGGGTCCCTGGAT-3'
Protein context (NP_003473.3, residues 4350-4370): TLEPPPGRVS[Pro4360Leu]AAAQLADTLF